The following is an entry in ClinVar:

NM_019594.4(LRRC8A):c.916C>T (p.Arg306Cys)

Gene: LRRC8A (leucine rich repeat containing 8 VRAC subunit A; plus strand). Cytogenetic location: 9q34.11.
Variant type: single nucleotide variant.
Coding change: c.916C>T on transcript NM_019594.4 (MANE Select); coding-DNA position 916, C replaced by T.
Protein change: p.Arg306Cys; replaces arginine 306 with cysteine.
Molecular consequence: missense variant.
Genome position (GRCh38, 1-based): chr9:128,908,080, C>T. VCF-style: chr9-128908080-C-T. GRCh37 (hg19) VCF-style: chr9-131670359-C-T.
Other names: c.916C>T, p.Arg306Cys (NM_001127244.2, NM_001127245.2); short protein forms R306C.
Identifiers: ClinVar variation 2969647 (VCV002969647.4), dbSNP rs368054918, ClinGen allele CA375078741.

ClinVar aggregate classification (germline): Uncertain significance. Review status: criteria provided, multiple submitters, no conflicts (2 of 4 stars). 2 submissions from 2 submitters: Uncertain significance (2). Last evaluated 2025-07-15.

Conditions:
LRRC8A-related disorder. Also called: LRRC8A-related condition.

Allele frequency attached by ClinVar (database versions not stated): gnomAD 0.00001; gnomAD exomes 0.00001; TOPMed 0.00001.
gnomAD v4.1: 21 of 1,613,906 alleles (0.0013%); highest among the groups gnomAD compares: Admixed American, 0.01%; no homozygotes.

Submissions (2):

PreventionGenetics, part of Exact Sciences
Classification: Uncertain significance for LRRC8A-related condition. Last evaluated: 2025-07-15. Review status: criteria provided, single submitter. Criteria: ACMG Guidelines, 2015. Collection method: clinical testing. Allele origin: germline.
Comment: The LRRC8A c.916C>T variant is predicted to result in the amino acid substitution p.Arg306Cys. To our knowledge, this variant has not been reported in the literature. This variant is reported in 0.0050% of alleles in individuals of East Asian descent in gnomAD. At this time, the clinical significance of this variant is uncertain due to the absence of conclusive functional and genetic evidence.

Labcorp Genetics (formerly Invitae), Labcorp
Classification: Uncertain significance. Last evaluated: 2024-01-26. Review status: criteria provided, single submitter. Criteria: Invitae Variant Classification Sherloc (09022015). Collection method: clinical testing. Allele origin: germline.
Comment: This sequence change replaces arginine, which is basic and polar, with cysteine, which is neutral and slightly polar, at codon 306 of the LRRC8A protein (p.Arg306Cys). This variant is present in population databases (no rsID available, gnomAD 0.005%). This variant has not been reported in the literature in individuals affected with LRRC8A-related conditions. An algorithm developed to predict the effect of missense changes on protein structure and function (PolyPhen-2) suggests that this variant is likely to be tolerated. In summary, the available evidence is currently insufficient to determine the role of this variant in disease. Therefore, it has been classified as a Variant of Uncertain Significance.